The following is an entry in ClinVar:

NM_007294.4(BRCA1):c.5421T>A (p.Ile1807=)

Gene: BRCA1 (BRCA1 DNA repair associated; minus strand). Cytogenetic location: 17q21.31.
Variant type: single nucleotide variant.
Coding change: c.5421T>A on transcript NM_007294.4 (MANE Select); coding-DNA position 5421, T replaced by A.
Protein change: p.Ile1807=; no amino-acid change (isoleucine 1807 retained).
Molecular consequence: synonymous variant. On other transcripts: missense variant (17).
Genome position (GRCh38, 1-based): chr17:43,047,689, A>T on the plus strand (T>A on the coding strand, the complement: BRCA1 is on the minus strand). VCF-style: chr17-43047689-A-T. GRCh37 (hg19) VCF-style: chr17-41199706-A-T.
Other names: c.5169T>A, p.Ile1723= (NM_001407919.1); c.5157T>A, p.Ile1719= (NM_001407920.1, NM_001407921.1, NM_001407922.1 and 4 more transcripts); c.5154T>A, p.Ile1718= (NM_001407927.1, NM_001407928.1, NM_001407929.1 and 4 more transcripts); c.5151T>A, p.Ile1717= (NM_001407934.1, NM_001407935.1, NM_001407936.1); c.5224T>A, p.Cys1742Ser (NM_001407937.1, NM_001407938.1); c.5221T>A, p.Cys1741Ser (NM_001407939.1, NM_001407940.1); c.5218T>A, p.Cys1740Ser (NM_001407941.1); c.5206T>A, p.Cys1736Ser (NM_001407942.1); and 83 more; short protein forms C679S, C1735S, C1736S, C1741S, C1781S, C678S, C1740S, C1742S.
Identifiers: ClinVar variation 865479 (VCV000865479.3), dbSNP rs2050990955, ClinGen allele CA10590608.
Genomic context (GRCh38, chr17:43,047,689, plus strand): 5'-TGCAGGCACCTTACCATGGAAGCCATTGTCCTCTGTCCAGGCATCTGGCTGCACAACCAC[A>T]ATTGGGTGGACACCCTGGATCCCCAGGAAGGAAAGAGCATTCAAAGTGTCAAAGTAGGAC-3'
Protein context (NP_009225.1, residues 1797-1817): SFTLGTGVHP[Ile1807=]VVVQPDAWTE

Conditions:
Breast-ovarian cancer, familial, susceptibility to, 1 (BROVCA1). Also called: BRCA1 Hereditary Breast and Ovarian Cancer; OVARIAN CANCER, SUSCEPTIBILITY TO. Identifiers: Orphanet 145, MedGen C2676676, MONDO:0011450, OMIM 604370. Disease mechanism: loss of function.

Submission:

Brotman Baty Institute, University of Washington
No classification provided (evidence only). Condition: Breast-ovarian cancer, familial 1. Review status: no classification provided. Collection method: in vitro. Allele origin: not applicable. Functional consequence: functionally_normal.
ClinVar note: "not provided" was previously submitted as the classification for the variant. However, the classification appeared to be based only on an observation of functional data so it was converted to no classification on 2025-07-30.